The following is an entry in ClinVar:

ClinVar aggregate classification (germline): Uncertain significance. Review status: criteria provided, multiple submitters, no conflicts (2 of 4 stars). 2 submissions from 2 submitters: Uncertain significance (2). Last evaluated 2020-07-24.

Conditions:
Ataxia-telangiectasia-like disorder (ATLD). Identifiers: MedGen C1858391, MONDO:0011457.
Hereditary cancer-predisposing syndrome. Also called: Neoplastic Syndromes, Hereditary; Tumor predisposition; Hereditary Cancer Syndrome; Hereditary neoplastic syndrome. Identifiers: Orphanet 140162, MedGen C0027672, MeSH D009386, MONDO:0015356.

Allele frequency attached by ClinVar (database versions not stated): gnomAD exomes below 0.00001; gnomAD 0.00001; TOPMed 0.00001.
gnomAD v4.1: 2 of 1,611,646 alleles (0.00012%); highest among the groups gnomAD compares: Non-Finnish European, 0.00017%; no homozygotes.

Submissions (2):

Labcorp Genetics (formerly Invitae), Labcorp
Classification: Uncertain significance for Ataxia-telangiectasia-like disorder. Last evaluated: 2020-07-24. Review status: criteria provided, single submitter. Criteria: Invitae Variant Classification Sherloc (09022015). Collection method: clinical testing. Allele origin: germline.
Comment: This variant is not present in population databases (ExAC no frequency). This sequence change falls in intron 18 of the MRE11 gene. It does not directly change the encoded amino acid sequence of the MRE11 protein, but it affects a nucleotide within the consensus splice site of the intron. This variant has not been reported in the literature in individuals with MRE11-related conditions. ClinVar contains an entry for this variant (Variation ID: 820465). Nucleotide substitutions within the consensus splice site are a relatively common cause of aberrant splicing (PMID: 17576681, 9536098). Algorithms developed to predict the effect of sequence changes on RNA splicing suggest that this variant may disrupt the consensus splice site, but this prediction has not been confirmed by published transcriptional studies. In summary, the available evidence is currently insufficient to determine the role of this variant in disease. Therefore, it has been classified as a Variant of Uncertain Significance.

Ambry Genetics
Classification: Uncertain significance for Hereditary cancer-predisposing syndrome. Last evaluated: 2018-08-01. Review status: criteria provided, single submitter. Criteria: Ambry Variant Classification Scheme 2023. Collection method: clinical testing. Allele origin: germline.
Comment: The c.1994+3A>C intronic variant results from an A to C substitution 3 nucleotides after coding exon 17 in the MRE11A gene. This nucleotide position is not well conserved in available vertebrate species. Using the BDGP and ESEfinder splice site prediction tools, this alteration is predicted to weaken the efficiency of the native splice donor site; however, direct evidence is unavailable. Since supporting evidence is limited at this time, the clinical significance of this alteration remains unclear.

Literature cited by the submitters: PubMed 17576681 (cited by Labcorp Genetics (formerly Invitae), Labcorp); PubMed 9536098 (cited by Labcorp Genetics (formerly Invitae), Labcorp).

NM_005591.4(MRE11):c.1994+3A>C

Gene: MRE11 (MRE11 double strand break repair nuclease; minus strand). Cytogenetic location: 11q21.
Variant type: single nucleotide variant.
Coding change: c.1994+3A>C on transcript NM_005591.4 (MANE Select); 3 bases into the intron after coding-DNA position 1994, A replaced by C.
Molecular consequence: intron variant.
Genome position (GRCh38, 1-based): chr11:94,435,829, T>G on the plus strand (A>C on the coding strand, the complement: MRE11 is on the minus strand). VCF-style: chr11-94435829-T-G. GRCh37 (hg19) VCF-style: chr11-94168995-T-G.
Other names: c.1991+3A>C (NM_001330347.2); c.1910+3A>C (NM_005590.4).
Identifiers: ClinVar variation 820465 (VCV000820465.11), dbSNP rs939310557, ClinGen allele CA226550020.